The following is an entry in ClinVar:

NM_005629.4(SLC6A8):c.433A>G (p.Asn145Asp)

Gene: SLC6A8 (solute carrier family 6 member 8; plus strand). Cytogenetic location: Xq28.
Variant type: single nucleotide variant.
Coding change: c.433A>G on transcript NM_005629.4 (MANE Select); coding-DNA position 433, A replaced by G.
Protein change: p.Asn145Asp; replaces asparagine 145 with aspartic acid.
Molecular consequence: missense variant.
Genome position (GRCh38, 1-based): chrX:153,691,342, A>G. VCF-style: chrX-153691342-A-G. GRCh37 (hg19) VCF-style: chrX-152956797-A-G.
Other names: c.433A>G, p.Asn145Asp (NM_001142805.2); c.88A>G, p.Asn30Asp (NM_001142806.1); short protein forms N145D, N30D.
Identifiers: ClinVar variation 3798257 (VCV003798257.2).
Genomic context (GRCh38, chrX:153,691,342, plus strand): 5'-GGCAAGGACTTCCCGGCCCCAGGCCTGGGCTACGCCTCCATGGTGATCGTCTTCTACTGC[A>G]ACACCTACTACATCATGGTGCTGGCCTGGGGCTTCTATTACCTGGTCAAGTCCTTTACCA-3'
Protein context (NP_005620.1, residues 135-155): YASMVIVFYC[Asn145Asp]TYYIMVLAWG

ClinVar aggregate classification (germline): Uncertain significance. Review status: criteria provided, multiple submitters, no conflicts (2 of 4 stars). 2 submissions from 2 submitters: Uncertain significance (2). Last evaluated 2025-03-24.

Conditions:
Creatine transporter deficiency (CCDS1). Also called: CEREBRAL CREATINE DEFICIENCY SYNDROME 1; Creatine Transporter (CRTR) Deficiency; Mental retardation , X-linked with seizures, short stature and midface hypoplasia; Mental retardation , X-linked, with creatine transport deficiency; X-linked creatine transporter deficiency; X-linked creatine deficiency syndrome. Identifiers: Orphanet 52503, MedGen C1845862, MONDO:0010305, OMIM 300352.
Inborn genetic diseases. Identifiers: MedGen C0950123, MeSH D030342.

gnomAD v4.1: 1 of 1,207,980 alleles (0.000083%); highest among the groups gnomAD compares: Admixed American, 0.0022%; no homozygotes.

Submissions (2):

Labcorp Genetics (formerly Invitae), Labcorp
Classification: Uncertain significance for Creatine transporter deficiency. Last evaluated: 2025-03-24. Review status: criteria provided, single submitter. Criteria: Invitae Variant Classification Sherloc (09022015). Collection method: clinical testing. Allele origin: germline.
Comment: This sequence change replaces asparagine, which is neutral and polar, with aspartic acid, which is acidic and polar, at codon 145 of the SLC6A8 protein (p.Asn145Asp). This variant is not present in population databases (gnomAD no frequency). This variant has not been reported in the literature in individuals affected with SLC6A8-related conditions. Invitae Evidence Modeling of protein sequence and biophysical properties (such as structural, functional, and spatial information, amino acid conservation, physicochemical variation, residue mobility, and thermodynamic stability) has been performed for this missense variant. However, the output from this modeling did not meet the statistical confidence thresholds required to predict the impact of this variant on SLC6A8 protein function. In summary, the available evidence is currently insufficient to determine the role of this variant in disease. Therefore, it has been classified as a Variant of Uncertain Significance.

Ambry Genetics
Classification: Uncertain significance for Inborn genetic diseases. Last evaluated: 2025-03-10. Review status: criteria provided, single submitter. Criteria: Ambry Variant Classification Scheme 2023. Collection method: clinical testing. Allele origin: germline.